The following is an entry in ClinVar:

NM_003079.5(SMARCE1):c.373G>C (p.Glu125Gln)

Gene: SMARCE1 (SWI/SNF related BAF chromatin remodeling complex subunit E1; minus strand). Cytogenetic location: 17q21.2.
Variant type: single nucleotide variant.
Coding change: c.373G>C on transcript NM_003079.5 (MANE Select); coding-DNA position 373, G replaced by C.
Protein change: p.Glu125Gln; replaces glutamic acid 125 with glutamine.
Molecular consequence: missense variant.
Genome position (GRCh38, 1-based): chr17:40,636,099, C>G on the plus strand (G>C on the coding strand, the complement: SMARCE1 is on the minus strand). VCF-style: chr17-40636099-C-G. GRCh37 (hg19) VCF-style: chr17-38792351-C-G.
Other names: short protein forms E125Q.
Identifiers: ClinVar variation 839716 (VCV000839716.10), dbSNP rs762580699, ClinGen allele CA8545252.
Genomic context (GRCh38, chr17:40,636,099, plus strand): 5'-CATTTATGTAAGCAAGGTACGCGGGGGAATTATGATAGGCCTTCATAGATTCATTGTACT[C>G]TATCTGAAATTCAAATGTTTTTTGGTTTTATAATTAACATTTTGCAGGTTATAATGCAGA-3'
Protein context (NP_003070.3, residues 115-135): YLNEYEAEKI[Glu125Gln]YNESMKAYHN

ClinVar aggregate classification (germline): Uncertain significance. Review status: criteria provided, multiple submitters, no conflicts (2 of 4 stars). 2 submissions from 2 submitters: Uncertain significance (2). Last evaluated 2025-06-27.

Conditions:
Familial meningioma. Also called: Meningioma, familial, susceptibility to. Identifiers: Orphanet 263662, MedGen C3551915, MONDO:0011789, OMIM 607174.
Hereditary cancer-predisposing syndrome. Also called: Neoplastic Syndromes, Hereditary; Tumor predisposition; Hereditary neoplastic syndrome; Hereditary Cancer Syndrome. Identifiers: Orphanet 140162, MedGen C0027672, MeSH D009386, MONDO:0015356.

Allele frequency attached by ClinVar (database versions not stated): gnomAD exomes below 0.00001; TOPMed below 0.00001; ExAC 0.00001.
gnomAD v4.1: 1 of 1,594,872 alleles (0.000063%); highest among the groups gnomAD compares: East Asian, 0.0022%; no homozygotes.

Submissions (2):

Ambry Genetics
Classification: Uncertain significance for Hereditary cancer-predisposing syndrome. Last evaluated: 2025-06-27. Review status: criteria provided, single submitter. Criteria: Ambry Variant Classification Scheme 2023. Collection method: clinical testing. Allele origin: germline.
Comment: The p.E125Q variant (also known as c.373G>C), located in coding exon 6 of the SMARCE1 gene, results from a G to C substitution at nucleotide position 373. The glutamic acid at codon 125 is replaced by glutamine, an amino acid with highly similar properties. This amino acid position is conserved. In addition, this alteration is predicted to be deleterious by in silico analysis. Based on the available evidence, the clinical significance of this variant remains unclear.

Labcorp Genetics (formerly Invitae), Labcorp
Classification: Uncertain significance for Familial meningioma. Last evaluated: 2024-04-22. Review status: criteria provided, single submitter. Criteria: Invitae Variant Classification Sherloc (09022015). Collection method: clinical testing. Allele origin: germline.
Comment: This sequence change replaces glutamic acid, which is acidic and polar, with glutamine, which is neutral and polar, at codon 125 of the SMARCE1 protein (p.Glu125Gln). This variant is present in population databases (rs762580699, gnomAD 0.006%). This variant has not been reported in the literature in individuals affected with SMARCE1-related conditions. ClinVar contains an entry for this variant (Variation ID: 839716). Advanced modeling of protein sequence and biophysical properties (such as structural, functional, and spatial information, amino acid conservation, physicochemical variation, residue mobility, and thermodynamic stability) performed at Invitae indicates that this missense variant is not expected to disrupt SMARCE1 protein function with a negative predictive value of 80%. RNA analysis performed to evaluate the impact of this missense change on mRNA splicing indicates it does not significantly alter splicing (Invitae). In summary, the available evidence is currently insufficient to determine the role of this variant in disease. Therefore, it has been classified as a Variant of Uncertain Significance.